The following is an entry in ClinVar:

ClinVar aggregate classification (germline): Uncertain significance (1 of 4 stars; one submission).

Allele frequency attached by ClinVar (database versions not stated): ExAC 0.00003.

Submission:

Labcorp Genetics (formerly Invitae), Labcorp
Classification: Uncertain significance. Last evaluated: 2022-10-13. Review status: criteria provided, single submitter. Criteria: Invitae Variant Classification Sherloc (09022015). Collection method: clinical testing. Allele origin: germline.
Comment: This variant has not been reported in the literature in individuals affected with USH1G-related conditions. In summary, the available evidence is currently insufficient to determine the role of this variant in disease. Therefore, it has been classified as a Variant of Uncertain Significance. Advanced modeling of protein sequence and biophysical properties (such as structural, functional, and spatial information, amino acid conservation, physicochemical variation, residue mobility, and thermodynamic stability) performed at Invitae indicates that this missense variant is not expected to disrupt USH1G protein function. ClinVar contains an entry for this variant (Variation ID: 1016772). This variant is present in population databases (rs747285177, gnomAD 0.005%). This sequence change replaces proline, which is neutral and non-polar, with leucine, which is neutral and non-polar, at codon 454 of the USH1G protein (p.Pro454Leu).

NM_173477.5(USH1G):c.1361C>T (p.Pro454Leu)

Gene: USH1G (USH1 protein network component sans; minus strand). Cytogenetic location: 17q25.1.
Variant type: single nucleotide variant.
Coding change: c.1361C>T on transcript NM_173477.5 (MANE Select); coding-DNA position 1361, C replaced by T.
Protein change: p.Pro454Leu; replaces proline 454 with leucine.
Molecular consequence: missense variant.
Genome position (GRCh38, 1-based): chr17:74,919,475, G>A on the plus strand (C>T on the coding strand, the complement: USH1G is on the minus strand). VCF-style: chr17-74919475-G-A. GRCh37 (hg19) VCF-style: chr17-72915570-G-A.
Other names: c.1052C>T, p.Pro351Leu (NM_001282489.3); short protein forms P351L, P454L.
Identifiers: ClinVar variation 1016772 (VCV001016772.8), dbSNP rs747285177, ClinGen allele CA8753877.